The following is an entry in ClinVar:

NM_201384.3(PLEC):c.1935C>T (p.Ser645=)

Gene: PLEC (plectin; minus strand). Cytogenetic location: 8q24.3.
Variant type: single nucleotide variant.
Coding change: c.1935C>T on transcript NM_201384.3 (MANE Select); coding-DNA position 1935, C replaced by T.
Protein change: p.Ser645=; no amino-acid change (serine 645 retained).
Molecular consequence: synonymous variant.
Genome position (GRCh38, 1-based): chr8:143,932,442, G>A on the plus strand (C>T on the coding strand, the complement: PLEC is on the minus strand). VCF-style: chr8-143932442-G-A. GRCh37 (hg19) VCF-style: chr8-145006610-G-A.
Other names: c.2016C>T (NM_000445.4); c.2016C>T, p.Ser672= (NM_000445.5, NM_001410941.1); c.1893C>T, p.Ser631= (NM_201378.4); c.1869C>T, p.Ser623= (NM_201379.3); c.2346C>T, p.Ser782= (NM_201380.4); c.1839C>T, p.Ser613= (NM_201381.3); c.1935C>T, p.Ser645= (NM_201382.4); c.1947C>T, p.Ser649= (NM_201383.3).
Identifiers: ClinVar variation 2933141 (VCV002933141.5), dbSNP rs916055245, ClinGen allele CA187621088.

ClinVar aggregate classification (germline): Likely benign. Review status: criteria provided, multiple submitters, no conflicts (2 of 4 stars). 3 submissions from 3 submitters: Likely benign (3). Last evaluated 2026-02-02.

Conditions:
PLEC-related disorder. Also called: PLEC-related condition; PLEC-related disorders.
Epidermolysis bullosa simplex, Ogna type (EBS5A). Also called: Pidermolysis bullosa simplex 5A, Ogna type; EPIDERMOLYSIS BULLOSA SIMPLEX 5A, OGNA TYPE. Identifiers: Orphanet 79401, MedGen C0432317, MONDO:0007555, OMIM 131950.
Autosomal recessive limb-girdle muscular dystrophy type 2Q (LGMDR17). Also called: MUSCULAR DYSTROPHY, LIMB-GIRDLE, AUTOSOMAL RECESSIVE 17. Identifiers: Orphanet 254361, MedGen C3150989, MONDO:0013390, OMIM 613723.
Epidermolysis bullosa simplex with nail dystrophy (EBS5D). Identifiers: MedGen C4225309, MONDO:0014661, OMIM 616487.
Epidermolysis bullosa simplex 5C, with pyloric atresia (EBS5C). Also called: PLEC-Related Epidermolysis Bullosa with Pyloric Atresia; Epidermolysis bullosa simplex with pyloric atresia; PLEC1-Related Epidermolysis Bullosa with Pyloric Atresia. Identifiers: Orphanet 158684, MedGen C2677349, MONDO:0012807, OMIM 612138.
Epidermolysis bullosa simplex 5B, with muscular dystrophy (EBS5B). Also called: Epidermolysis bullosa simplex with muscular dystrophy; EPIDERMOLYSIS BULLOSA SIMPLEX AND LIMB-GIRDLE MUSCULAR DYSTROPHY. Identifiers: Orphanet 257, MedGen C2931072, MONDO:0009181, OMIM 226670.

Allele frequency attached by ClinVar (database versions not stated): TOPMed below 0.00001; gnomAD exomes 0.00001.
gnomAD v4.1: 9 of 1,612,750 alleles (0.00056%); highest among the groups gnomAD compares: African/African-American, 0.0013%; no homozygotes.

Submissions (3):

PreventionGenetics, part of Exact Sciences
Classification: Likely benign for PLEC-related condition. Last evaluated: 2026-02-02. Review status: criteria provided, single submitter. Criteria: ACMG Guidelines, 2015. Collection method: clinical testing. Allele origin: germline.
Comment: This variant is classified as likely benign based on ACMG/AMP sequence variant interpretation guidelines (Richards et al. 2015 PMID: 25741868, with internal and published modifications).

Labcorp Genetics (formerly Invitae), Labcorp
Classification: Likely benign for Autosomal recessive limb-girdle muscular dystrophy type 2Q; Epidermolysis bullosa simplex, Ogna type; Epidermolysis bullosa simplex with nail dystrophy; Epidermolysis bullosa simplex 5C, with pyloric atresia; Epidermolysis bullosa simplex 5B, with muscular dystrophy. Last evaluated: 2023-11-17. Review status: criteria provided, single submitter. Criteria: Invitae Variant Classification Sherloc (09022015). Collection method: clinical testing. Allele origin: germline.

Blueprint Genetics
Classification: Likely benign. Last evaluated: 2023-03-27. Review status: criteria provided, single submitter. Criteria: ACMG Guidelines, 2015. Collection method: clinical testing. Allele origin: germline.